The following is an entry in ClinVar:

ClinVar aggregate classification (germline): Uncertain significance (1 of 4 stars; one submission).

Allele frequency attached by ClinVar (database versions not stated): gnomAD 0.00001.

Submission:

Labcorp Genetics (formerly Invitae), Labcorp
Classification: Uncertain significance. Last evaluated: 2023-12-11. Review status: criteria provided, single submitter. Criteria: Invitae Variant Classification Sherloc (09022015). Collection method: clinical testing. Allele origin: germline.
Comment: This sequence change replaces threonine, which is neutral and polar, with isoleucine, which is neutral and non-polar, at codon 238 of the CFAP410 protein (p.Thr238Ile). This variant is not present in population databases (gnomAD no frequency). This variant has not been reported in the literature in individuals affected with CFAP410-related conditions. ClinVar contains an entry for this variant (Variation ID: 1046520). An algorithm developed to predict the effect of missense changes on protein structure and function (PolyPhen-2) suggests that this variant¬†is likely to be tolerated. In summary, the available evidence is currently insufficient to determine the role of this variant in disease. Therefore, it has been classified as a Variant of Uncertain Significance.

NM_004928.3(CFAP410):c.713C>T (p.Thr238Ile)

Gene: CFAP410 (cilia and flagella associated protein 410; minus strand). Cytogenetic location: 21q22.3.
Variant type: single nucleotide variant.
Coding change: c.713C>T on transcript NM_004928.3 (MANE Select); coding-DNA position 713, C replaced by T.
Protein change: p.Thr238Ile; replaces threonine 238 with isoleucine.
Molecular consequence: missense variant.
Genome position (GRCh38, 1-based): chr21:44,330,256, G>A on the plus strand (C>T on the coding strand, the complement: CFAP410 is on the minus strand). VCF-style: chr21-44330256-G-A. GRCh37 (hg19) VCF-style: chr21-45750139-G-A.
Other names: c.710C>T, p.Thr237Ile (NM_001271440.2); c.1070C>T, p.Thr357Ile (NM_001271441.2); c.587C>T, p.Thr196Ile (NM_001271442.1); short protein forms T237I, T238I, T196I, T357I.
Identifiers: ClinVar variation 1046520 (VCV001046520.6), dbSNP rs930153682, ClinGen allele CA410448313.